The following is an entry in ClinVar:

ClinVar aggregate classification (germline): Uncertain significance (1 of 4 stars; one submission).

gnomAD v4.1: 1 of 1,614,030 alleles (0.000062%); highest among the groups gnomAD compares: Non-Finnish European, 0.000085%; no homozygotes.

Submission:

Ambry Genetics
Classification: Uncertain significance. Last evaluated: 2025-03-07. Review status: criteria provided, single submitter. Criteria: Ambry Variant Classification Scheme 2023. Collection method: clinical testing. Allele origin: germline.
Comment: The p.L34P variant (also known as c.101T>C), located in coding exon 1 of the TET2 gene, results from a T to C substitution at nucleotide position 101. The leucine at codon 34 is replaced by proline, an amino acid with similar properties. This amino acid position is conserved. In addition, this alteration is predicted to be deleterious by in silico analysis. Based on the available evidence, the clinical significance of this variant remains unclear.

NM_001127208.3(TET2):c.101T>C (p.Leu34Pro)

Genes: TET2 (tet methylcytosine dioxygenase 2; plus strand), TET2-AS1 (TET2 antisense RNA 1; minus strand). Cytogenetic location: 4q24.
Variant type: single nucleotide variant.
Coding change: c.101T>C on transcript NM_001127208.3 (MANE Select); coding-DNA position 101, T replaced by C.
Protein change: p.Leu34Pro; replaces leucine 34 with proline.
Molecular consequence: missense variant.
Genome position (GRCh38, 1-based): chr4:105,234,043, T>C. VCF-style: chr4-105234043-T-C. GRCh37 (hg19) VCF-style: chr4-106155200-T-C.
Other names: c.101T>C, p.Leu34Pro (NM_017628.4); short protein forms L34P.
Identifiers: ClinVar variation 3806110 (VCV003806110.1).